The following is an entry in ClinVar:

NM_001378030.1(CCDC78):c.667C>T (p.Arg223Cys)

Gene: CCDC78 (coiled-coil domain containing 78; minus strand). Cytogenetic location: 16p13.3.
Variant type: single nucleotide variant.
Coding change: c.667C>T on transcript NM_001378030.1 (MANE Select); coding-DNA position 667, C replaced by T.
Protein change: p.Arg223Cys; replaces arginine 223 with cysteine.
Molecular consequence: missense variant. On other transcripts: non-coding transcript variant (5), intron variant (1).
Genome position (GRCh38, 1-based): chr16:724,779, G>A on the plus strand (C>T on the coding strand, the complement: CCDC78 is on the minus strand). VCF-style: chr16-724779-G-A. GRCh37 (hg19) VCF-style: chr16-774779-G-A.
Other names: c.667C>T, p.Arg223Cys (NM_001031737.3, NM_001378031.1); c.199-270C>T (NM_001378033.1); short protein forms R223C.
Identifiers: ClinVar variation 2050405 (VCV002050405.4), dbSNP rs200893683, ClinGen allele CA7789462.

ClinVar aggregate classification (germline): Uncertain significance (1 of 4 stars; one submission).

Conditions:
Congenital myopathy with internal nuclei and atypical cores. Also called: Myopathy, centronuclear, 4. Identifiers: Orphanet 319160, MedGen C4707232, MONDO:0013890, OMIM 614807.

Allele frequency attached by ClinVar (database versions not stated): ExAC 0.00001; gnomAD 0.00002; TOPMed 0.00002.
gnomAD v4.1: 18 of 1,611,960 alleles (0.0011%); highest among the groups gnomAD compares: East Asian, 0.011%; no homozygotes.

Submission:

Labcorp Genetics (formerly Invitae), Labcorp
Classification: Uncertain significance for Congenital myopathy with internal nuclei and atypical cores. Last evaluated: 2024-10-29. Review status: criteria provided, single submitter. Criteria: Invitae Variant Classification Sherloc (09022015). Collection method: clinical testing. Allele origin: germline.
Comment: This sequence change replaces arginine, which is basic and polar, with cysteine, which is neutral and slightly polar, at codon 223 of the CCDC78 protein (p.Arg223Cys). This variant is not present in population databases (gnomAD no frequency). This variant has not been reported in the literature in individuals affected with CCDC78-related conditions. ClinVar contains an entry for this variant (Variation ID: 2050405). Invitae Evidence Modeling of protein sequence and biophysical properties (such as structural, functional, and spatial information, amino acid conservation, physicochemical variation, residue mobility, and thermodynamic stability) indicates that this missense variant is not expected to disrupt CCDC78 protein function with a negative predictive value of 80%. In summary, the available evidence is currently insufficient to determine the role of this variant in disease. Therefore, it has been classified as a Variant of Uncertain Significance.